The following is an entry in ClinVar:

ClinVar aggregate classification (germline): Pathogenic/Likely pathogenic. Review status: criteria provided, multiple submitters, no conflicts (2 of 4 stars). 2 submissions from 2 submitters: Pathogenic (1); Likely pathogenic (1). Last evaluated 2024-02-11.

Conditions:
Retinitis pigmentosa 25 (RP25). Identifiers: Orphanet 791, MedGen C1864446, MONDO:0011272, OMIM 602772.

Submissions (2):

Fulgent Genetics
Classification: Likely pathogenic for Retinitis pigmentosa 25. Last evaluated: 2024-02-11. Review status: criteria provided, single submitter. Criteria: ACMG Guidelines, 2015. Collection method: clinical testing. Allele origin: germline.

Labcorp Genetics (formerly Invitae), Labcorp
Classification: Pathogenic. Last evaluated: 2023-07-28. Review status: criteria provided, single submitter. Criteria: Invitae Variant Classification Sherloc (09022015). Collection method: clinical testing. Allele origin: germline.
Comment: For these reasons, this variant has been classified as Pathogenic. This variant has not been reported in the literature in individuals affected with EYS-related conditions. This variant is not present in population databases (gnomAD no frequency). This sequence change creates a premature translational stop signal (p.Glu931*) in the EYS gene. It is expected to result in an absent or disrupted protein product. Loss-of-function variants in EYS are known to be pathogenic (PMID: 18836446, 20333770).

Literature cited by the submitters: PubMed 18836446 (cited by Labcorp Genetics (formerly Invitae), Labcorp); PubMed 20333770 (cited by Labcorp Genetics (formerly Invitae), Labcorp).

NM_001142800.2(EYS):c.2791G>T (p.Glu931Ter)

Gene: EYS (EGF-like photoreceptor maintenance factor; minus strand). Cytogenetic location: 6q12.
Variant type: single nucleotide variant.
Coding change: c.2791G>T on transcript NM_001142800.2 (MANE Select); coding-DNA position 2791, G replaced by T.
Protein change: p.Glu931Ter; replaces glutamic acid 931 with a stop codon.
Molecular consequence: nonsense.
Genome position (GRCh38, 1-based): chr6:64,902,168, C>A on the plus strand (G>T on the coding strand, the complement: EYS is on the minus strand). VCF-style: chr6-64902168-C-A. GRCh37 (hg19) VCF-style: chr6-65612061-C-A.
Other names: c.2791G>T, p.Glu931Ter (NM_001292009.2); short protein forms E931*.
Identifiers: ClinVar variation 2891974 (VCV002891974.4), dbSNP rs1209836295, ClinGen allele CA364785677.